The following is an entry in ClinVar:

ClinVar aggregate classification (germline): Uncertain significance. Review status: criteria provided, multiple submitters, no conflicts (2 of 4 stars). 2 submissions from 2 submitters: Uncertain significance (2). Last evaluated 2023-03-03.

Conditions:
Inborn genetic diseases. Identifiers: MedGen C0950123, MeSH D030342.
KBG syndrome (KBGS). Also called: ANKRD11-Related KBG Syndrome. Identifiers: Orphanet 2332, MedGen C0220687, MONDO:0007846, OMIM 148050.

Allele frequency attached by ClinVar (database versions not stated): gnomAD 0.00001; gnomAD exomes 0.00001; ExAC 0.00002; TOPMed 0.00002; ESP Exome Variant Server 0.00008.
gnomAD v4.1: 14 of 1,613,798 alleles (0.00087%); highest among the groups gnomAD compares: African/African-American, 0.004%; 1 homozygote.

Submissions (2):

Labcorp Genetics (formerly Invitae), Labcorp
Classification: Uncertain significance for KBG syndrome. Last evaluated: 2023-03-03. Review status: criteria provided, single submitter. Criteria: Invitae Variant Classification Sherloc (09022015). Collection method: clinical testing. Allele origin: germline.
Comment: This sequence change replaces serine, which is neutral and polar, with alanine, which is neutral and non-polar, at codon 521 of the ANKRD11 protein (p.Ser521Ala). This variant is present in population databases (rs374072757, gnomAD 0.003%). This variant has not been reported in the literature in individuals affected with ANKRD11-related conditions. ClinVar contains an entry for this variant (Variation ID: 1775280). Advanced modeling of protein sequence and biophysical properties (such as structural, functional, and spatial information, amino acid conservation, physicochemical variation, residue mobility, and thermodynamic stability) performed at Invitae indicates that this missense variant is not expected to disrupt ANKRD11 protein function. In summary, the available evidence is currently insufficient to determine the role of this variant in disease. Therefore, it has been classified as a Variant of Uncertain Significance.

Ambry Genetics
Classification: Uncertain significance for Inborn genetic diseases. Last evaluated: 2019-06-07. Review status: criteria provided, single submitter. Criteria: Ambry Variant Classification Scheme 2023. Collection method: clinical testing. Allele origin: germline.
Comment: The p.S521A variant (also known as c.1561T>G), located in coding exon 7 of the ANKRD11 gene, results from a T to G substitution at nucleotide position 1561. The serine at codon 521 is replaced by alanine, an amino acid with similar properties. This amino acid position is highly conserved in available vertebrate species. In addition, this alteration is predicted to be tolerated by in silico analysis. Since supporting evidence is limited at this time, the clinical significance of this alteration remains unclear.

NM_013275.6(ANKRD11):c.1561T>G (p.Ser521Ala)

Gene: ANKRD11 (ankyrin repeat domain 11; minus strand). Cytogenetic location: 16q24.3.
Variant type: single nucleotide variant.
Coding change: c.1561T>G on transcript NM_013275.6 (MANE Select); coding-DNA position 1561, T replaced by G.
Protein change: p.Ser521Ala; replaces serine 521 with alanine.
Molecular consequence: missense variant.
Genome position (GRCh38, 1-based): chr16:89,284,981, A>C on the plus strand (T>G on the coding strand, the complement: ANKRD11 is on the minus strand). VCF-style: chr16-89284981-A-C. GRCh37 (hg19) VCF-style: chr16-89351389-A-C.
Other names: c.1561T>G, p.Ser521Ala (NM_001256182.2, NM_001256183.2); short protein forms S521A.
Identifiers: ClinVar variation 1775280 (VCV001775280.7), dbSNP rs374072757, ClinGen allele CA8242743.